The following is an entry in ClinVar:

NM_023110.3(FGFR1):c.936+3A>C

Gene: FGFR1 (fibroblast growth factor receptor 1; minus strand). Cytogenetic location: 8p11.23.
Variant type: single nucleotide variant.
Coding change: c.936+3A>C on transcript NM_023110.3 (MANE Select); 3 bases into the intron after coding-DNA position 936, A replaced by C.
Molecular consequence: intron variant.
Genome position (GRCh38, 1-based): chr8:38,424,506, T>G on the plus strand (A>C on the coding strand, the complement: FGFR1 is on the minus strand). VCF-style: chr8-38424506-T-G. GRCh37 (hg19) VCF-style: chr8-38282024-T-G.
Other names: c.663+3A>C (NM_001354368.2, NM_001354370.2, NM_023106.3); c.669+3A>C (NM_023105.3, NM_001174066.2); c.930+3A>C (NM_001354367.2, NM_015850.4, NM_001354369.2 and 1 more transcripts); c.936+3A>C (NM_001174063.2); c.912+3A>C (NM_001174064.2); c.1029+3A>C (NM_001174067.2).
Identifiers: ClinVar variation 449022 (VCV000449022.2), dbSNP rs1554561775, ClinGen allele CA658657762.
Genomic context (GRCh38, chr8:38,424,506, plus strand): 5'-AGCCCCCGAGACAGTGGTCTCCTTCCCAGTAGACTGGCCCACGAAGACTGGTGCCATGAT[T>G]ACCTTCAAGATCTGGACATAAGGCAGGTTGTCTGGGCCAATCTTGCTCCCATTCACCTCG-3'

ClinVar aggregate classification (germline): Uncertain significance (1 of 4 stars; one submission).

Submission:

GeneDx
Classification: Uncertain significance. Last evaluated: 2017-09-27. Review status: criteria provided, single submitter. Criteria: GeneDx Variant Classification (06012015). Collection method: clinical testing. Allele origin: germline. Affected: yes.
Comment: The c.936+3 A>C variant has not been published as a pathogenic variant, nor has it been reported as a benign variant to our knowledge. The variant is not observed in large population cohorts (Lek et al., 2016). Several in-silico splice prediction models predict that c.936+3 A>C destroys the the natural donor site and leads to abnormal gene splicing. However, in the absence of RNA/functional studies, the actual effect of this sequence change in this individual is unknown. Therefore, based on the currently available information, it is unclear whether this variant is a pathogenic variant or a rare benign variant.